The following is an entry in ClinVar:

NM_000535.7(PMS2):c.971A>G (p.Asn324Ser)

Gene: PMS2 (PMS1 homolog 2, mismatch repair system component; minus strand). Cytogenetic location: 7p22.1.
Variant type: single nucleotide variant.
Coding change: c.971A>G on transcript NM_000535.7 (MANE Select); coding-DNA position 971, A replaced by G.
Protein change: p.Asn324Ser; replaces asparagine 324 with serine.
Molecular consequence: missense variant. On other transcripts: non-coding transcript variant (1).
Genome position (GRCh38, 1-based): chr7:5,991,990, T>C on the plus strand (A>G on the coding strand, the complement: PMS2 is on the minus strand). VCF-style: chr7-5991990-T-C. GRCh37 (hg19) VCF-style: chr7-6031621-T-C.
Other names: c.566A>G, p.Asn189Ser (NM_001322003.2, NM_001322004.2, NM_001322005.2 and 2 more transcripts); c.971A>G, p.Asn324Ser (NM_001322006.2, NM_001322014.2); c.653A>G, p.Asn218Ser (NM_001322007.2, NM_001322008.2); c.38A>G, p.Asn13Ser (NM_001322011.2, NM_001322012.2); c.398A>G, p.Asn133Ser (NM_001322013.2); c.662A>G, p.Asn221Ser (NM_001322015.2); short protein forms N13S, N218S, N324S, N133S, N189S, N221S.
Identifiers: ClinVar variation 823436 (VCV000823436.12), dbSNP rs1554299388, ClinGen allele CA366743091.

ClinVar aggregate classification (germline): Uncertain significance. Review status: criteria provided, multiple submitters, no conflicts (2 of 4 stars). 3 submissions from 3 submitters: Uncertain significance (3). Last evaluated 2024-07-29.

Conditions:
Hereditary cancer-predisposing syndrome. Also called: Tumor predisposition; Hereditary Cancer Syndrome; Neoplastic Syndromes, Hereditary; Hereditary neoplastic syndrome. Identifiers: Orphanet 140162, MedGen C0027672, MeSH D009386, MONDO:0015356.
Hereditary nonpolyposis colorectal neoplasms. Identifiers: MedGen C0009405, MeSH D003123.
Lynch syndrome. Identifiers: Orphanet 144, MedGen C4552100, MONDO:0005835. Disease mechanism: loss of function.

Submissions (3):

All of Us Research Program, National Institutes of Health
Classification: Uncertain significance for Lynch syndrome. Last evaluated: 2024-07-29. Review status: criteria provided, single submitter. Criteria: ACMG Guidelines, 2015. Collection method: clinical testing. Allele origin: germline. Inheritance: Autosomal dominant inheritance. Observed: 1 variant allele, 1 heterozygote.
Comment: This missense variant replaces asparagine with serine at codon 324 of the PMS2 protein. Computational prediction suggests that this variant may have deleterious impact on protein structure and function (internally defined REVEL score threshold >= 0.7, PMID: 27666373). To our knowledge, functional studies have not been reported for this variant. This variant has not been reported in individuals affected with PMS2-related disorders in the literature. This variant has not been identified in the general population by the Genome Aggregation Database (gnomAD). The available evidence is insufficient to determine the role of this variant in disease conclusively. Therefore, this variant is classified as a Variant of Uncertain Significance.

This study involves interpretation of variants in research participants for the purpose of population health screening. Participant phenotype was not available at the time of variant classification. Additional details can be found in publication PMID: 35346344, PMCID: PMC8962531

Ambry Genetics
Classification: Uncertain significance for Hereditary cancer-predisposing syndrome. Last evaluated: 2024-01-29. Review status: criteria provided, single submitter. Criteria: Ambry Variant Classification Scheme 2023. Collection method: clinical testing. Allele origin: germline.
Comment: The p.N324S variant (also known as c.971A>G), located in coding exon 9 of the PMS2 gene, results from an A to G substitution at nucleotide position 971. The asparagine at codon 324 is replaced by serine, an amino acid with highly similar properties. This amino acid position is highly conserved in available vertebrate species. In addition, the in silico prediction for this alteration is inconclusive. Since supporting evidence is limited at this time, the clinical significance of this alteration remains unclear.

Labcorp Genetics (formerly Invitae), Labcorp
Classification: Uncertain significance for Hereditary nonpolyposis colorectal neoplasms. Last evaluated: 2022-03-09. Review status: criteria provided, single submitter. Criteria: Invitae Variant Classification Sherloc (09022015). Collection method: clinical testing. Allele origin: germline.
Comment: This sequence change replaces asparagine, which is neutral and polar, with serine, which is neutral and polar, at codon 324 of the PMS2 protein (p.Asn324Ser). This variant is not present in population databases (gnomAD no frequency). This variant has not been reported in the literature in individuals affected with PMS2-related conditions. ClinVar contains an entry for this variant (Variation ID: 823436). Algorithms developed to predict the effect of missense changes on protein structure and function are either unavailable or do not agree on the potential impact of this missense change (SIFT: "Deleterious"; PolyPhen-2: "Probably Damaging"; Align-GVGD: "Class C15"). Algorithms developed to predict the effect of sequence changes on RNA splicing suggest that this variant may create or strengthen a splice site. In summary, the available evidence is currently insufficient to determine the role of this variant in disease. Therefore, it has been classified as a Variant of Uncertain Significance.